The following is an entry in ClinVar:

ClinVar aggregate classification (germline): Uncertain significance (1 of 4 stars; one submission).

Conditions:
Multiple endocrine neoplasia, type 2 (MEN2). Identifiers: Orphanet 653, MedGen C4048306, MONDO:0019003. Disease mechanism: gain of function.

Submission:

Labcorp Genetics (formerly Invitae), Labcorp
Classification: Uncertain significance for Multiple endocrine neoplasia, type 2. Last evaluated: 2023-10-12. Review status: criteria provided, single submitter. Criteria: Invitae Variant Classification Sherloc (09022015). Collection method: clinical testing. Allele origin: germline.
Comment: This sequence change replaces glutamine, which is neutral and polar, with histidine, which is basic and polar, at codon 681 of the RET protein (p.Gln681His). This variant is not present in population databases (gnomAD no frequency). This variant has not been reported in the literature in individuals affected with RET-related conditions. An algorithm developed to predict the effect of missense changes on protein structure and function (PolyPhen-2) suggests that this variant is likely to be disruptive. In summary, the available evidence is currently insufficient to determine the role of this variant in disease. Therefore, it has been classified as a Variant of Uncertain Significance.

NM_020975.6(RET):c.2043G>T (p.Gln681His)

Gene: RET (ret proto-oncogene; plus strand). Cytogenetic location: 10q11.21.
Variant type: single nucleotide variant.
Coding change: c.2043G>T on transcript NM_020975.6 (MANE Select); coding-DNA position 2043, G replaced by T.
Protein change: p.Gln681His; replaces glutamine 681 with histidine.
Molecular consequence: missense variant.
Genome position (GRCh38, 1-based): chr10:43,114,643, G>T. VCF-style: chr10-43114643-G-T. GRCh37 (hg19) VCF-style: chr10-43610091-G-T.
Other names: c.1011G>T, p.Gln337His (NM_001406787.1); c.858G>T, p.Gln286His (NM_001406788.1, NM_001406789.1, NM_001406790.1); c.738G>T, p.Gln246His (NM_001406791.1); c.594G>T, p.Gln198His (NM_001406792.1, NM_001406793.1, NM_001406794.1); c.2043G>T, p.Gln681His (NM_020629.2, NM_000323.2, NM_001406743.1 and 4 more transcripts); c.1281G>T, p.Gln427His (NM_001355216.2); c.1914G>T, p.Gln638His (NM_001406761.1, NM_001406762.1, NM_001406764.1); c.1908G>T, p.Gln636His (NM_001406763.1, NM_001406765.1); and 10 more; short protein forms Q246H, Q337H, Q427H, Q506H, Q593H, Q681H, Q198H, Q382H.
Identifiers: ClinVar variation 2767692 (VCV002767692.3), dbSNP rs2132851372, ClinGen allele CA376553196.